The following is an entry in ClinVar:

NM_000303.3(PMM2):c.623G>C (p.Gly208Ala)

Gene: PMM2 (phosphomannomutase 2; plus strand). Cytogenetic location: 16p13.2.
Variant type: single nucleotide variant.
Coding change: c.623G>C on transcript NM_000303.3 (MANE Select); coding-DNA position 623, G replaced by C.
Protein change: p.Gly208Ala; replaces glycine 208 with alanine.
Molecular consequence: missense variant.
Genome position (GRCh38, 1-based): chr16:8,813,090, G>C. VCF-style: chr16-8813090-G-C. GRCh37 (hg19) VCF-style: chr16-8906947-G-C.
Other names: short protein forms G208A.
Identifiers: ClinVar variation 92804 (VCV000092804.22), dbSNP rs398123309, ClinGen allele CA220624.
Genomic context (GRCh38, chr16:8,813,090, plus strand): 5'-ACAAGAGATACTGTCTGCGACATGTGGAAAATGACGGTTATAAGACCATTTATTTCTTTG[G>C]AGACAAAACTATGCCAGTAAGTAGAGAAGTGTTTGTGCACCTTCATTGTTGCATTTGCGC-3'
Protein context (NP_000294.1, residues 198-218): NDGYKTIYFF[Gly208Ala]DKTMPGGNDH

ClinVar aggregate classification (germline): Pathogenic/Likely pathogenic. Review status: criteria provided, multiple submitters, no conflicts (2 of 4 stars). 10 submissions from 10 submitters: Pathogenic (7); Likely pathogenic (2). 1 of the submissions does not count toward it. Last evaluated 2025-03-17.

Conditions:
PMM2-related disorder. Also called: PMM2-related condition.
PMM2-congenital disorder of glycosylation. Also called: PHOSPHOMANNOMUTASE 2 DEFICIENCY; JAEKEN SYNDROME; CARBOHYDRATE-DEFICIENT GLYCOPROTEIN SYNDROME, TYPE Ia; Congenital disorder of glycosylation, type Ia; PMM2-CDG; CDG Ia. Identifiers: Orphanet 79318, MedGen C0349653, MONDO:0008907, OMIM 212065.

Allele frequency attached by ClinVar (database versions not stated): TOPMed below 0.00001; gnomAD 0.00001.
gnomAD v4.1: 14 of 1,597,560 alleles (0.00088%); highest among the groups gnomAD compares: South Asian, 0.0011%; no homozygotes.

Submissions (10):

GeneDx
Classification: Pathogenic. Last evaluated: 2025-03-17. Review status: criteria provided, single submitter. Criteria: GeneDx Variant Classification Process June 2021. Collection method: clinical testing. Allele origin: germline. Affected: yes.
Comment: Not observed at significant frequency in large population cohorts (gnomAD); In silico analysis supports that this missense variant has a deleterious effect on protein structure/function; This variant is associated with the following publications: (PMID: 22649348, 11058895, 10801058, 24037084, 9497260, 15277997, 28122681)

Natera, Inc.
Classification: Pathogenic for Congenital disorder of glycosylation type 1a. Last evaluated: 2025-01-31. Review status: criteria provided, single submitter. Criteria: Natera Variant Classification Schema (03/2026). Collection method: clinical testing. Allele origin: germline.
Comment: The c.623G>C variant in PMM2 is a missense variant predicted to cause substitution of glycine to alanine at amino acid 208. This variant is rare in the general population with a frequency below the threshold expected for the associated phenotype(s). This variant has been observed in one or more individuals affected with the associated recessive disease, as either homozygous or compound heterozygous with a second variant (PMID: 28122681, 10801058, 9497260, 15277997). Computational prediction algorithms indicate this variant is likely to affect gene or protein function. Given the available evidence, this variant is classified as Pathogenic.

Labcorp Genetics (formerly Invitae), Labcorp
Classification: Pathogenic for PMM2-congenital disorder of glycosylation. Last evaluated: 2025-01-30. Review status: criteria provided, single submitter. Criteria: Invitae Variant Classification Sherloc (09022015). Collection method: clinical testing. Allele origin: germline.
Comment: This sequence change replaces glycine, which is neutral and non-polar, with alanine, which is neutral and non-polar, at codon 208 of the PMM2 protein (p.Gly208Ala). This variant is not present in population databases (gnomAD no frequency). This missense change has been observed in individual(s) with PMM2-CDG (PMID: 9497260, 10801058, 15277997, 24037084). ClinVar contains an entry for this variant (Variation ID: 92804). Invitae Evidence Modeling of protein sequence and biophysical properties (such as structural, functional, and spatial information, amino acid conservation, physicochemical variation, residue mobility, and thermodynamic stability) indicates that this missense variant is expected to disrupt PMM2 protein function with a positive predictive value of 95%. For these reasons, this variant has been classified as Pathogenic.

Baylor Genetics
Classification: Likely pathogenic for PMM2-congenital disorder of glycosylation. Last evaluated: 2023-12-24. Review status: criteria provided, single submitter. Criteria: ACMG Guidelines, 2015. Collection method: clinical testing. Allele origin: unknown.

Victorian Clinical Genetics Services, Murdoch Childrens Research Institute
Classification: Pathogenic for PMM2-congenital disorder of glycosylation. Last evaluated: 2023-07-17. Review status: criteria provided, single submitter. Criteria: ACMG Guidelines, 2015. Collection method: clinical testing. Allele origin: germline. Inheritance: Autosomal recessive inheritance. Affected: yes.
Comment: Based on the classification scheme VCGS_Germline_v1.3.4, this variant is classified as Pathogenic. Following criteria are met: 0102 - Loss of function is a known mechanism of disease in this gene and is associated with congenital disorder of glycosylation, type Ia (MIM#212065). (I) 0106 - This gene is associated with autosomal recessive disease. (I) 0115 - Variants in this gene are known to have variable expressivity. The clinical manifestations and course are highly variable, ranging from infants who pass away in the first year of life to mildly affected adults (PMID: 20301289). (I) 0200 - Variant is predicted to result in a missense amino acid change from glycine to alanine. (I) 0251 - This variant is heterozygous. (I) 0304 - Variant is present in gnomAD (v3) <0.01 for a recessive condition (1 heterozygote, 0 homozygotes). (SP) 0309 - An alternative amino acid change at the same position has been observed in gnomAD (v2) (1 heterozygote, 0 homozygotes). (I) 0501 - Missense variant consistently predicted to be damaging by multiple in silico tools or highly conserved with a major amino acid change. (SP) 0600 - Variant is located in the annotated eukaryotic phosphomannomutase domain (DECIPHER). (I) 0705 - No comparable missense variants have previous evidence for pathogenicity. (I) 0801 - This variant has strong previous evidence of pathogenicity in unrelated individuals. This variant has been classified as likely pathogenic and pathogenic by multiple clinical laboratories in ClinVar, and has been observed in individuals with CDG who also had another PMM2 variant, three of whom were known to be compound heterozygous (PMIDs: 22649348, 10801058, 28122681, 30397276). (SP) 1208 - Inheritance information for this variant is not currently available in this individual. (I) Legend: (SP) - Supporting pathogenic, (I) - Information, (SB) - Supporting benign

Blueprint Genetics
Classification: Pathogenic for PMM2-related disorders. Last evaluated: 2022-06-22. Review status: criteria provided, single submitter. Criteria: ACMG Guidelines, 2015. Collection method: clinical testing. Allele origin: germline. Affected: yes. Observed: 2 variant alleles.

Rady Children's Institute for Genomic Medicine, Rady Children's Hospital San Diego
Classification: Likely pathogenic for CONGENITAL DISORDER OF GLYCOSYLATION, TYPE Ia. Last evaluated: 2018-08-13. Review status: criteria provided, single submitter. Criteria: ACMG Guidelines, 2015. Collection method: clinical testing. Allele origin: germline. Affected: yes. Observed: 1 variant allele.
Comment: This variant has been previously reported in the compound heterozygous state in individuals with Congenital disorder of glycosylation Type 1A (PMID: 9497260, 19396570, 10801058) and has been classified as pathogenic and likely pathogenic by multiple clinical diagnostic laboratories in ClinVar (Variation ID: 92804). It is absent from the ExAC and gnomAD population databases and thus is presumed to be rare. The c.623G>C (p.Gly208Ala) variant affects a highly conserved amino acid and is predicted by multiple in silico tools to have a deleterious effect on protein function. Based on the available evidence, the c.623G>C (p.Gly208Ala) variant is classified as Likely Pathogenic.

Women's Health and Genetics/Laboratory Corporation of America, LabCorp
Classification: Pathogenic for PMM2-congenital disorder of glycosylation. Last evaluated: 2016-05-16. Review status: criteria provided, single submitter. Criteria: LabCorp Variant Classification Summary - May 2015. Collection method: clinical testing. Allele origin: germline.
Comment: Variant summary: The PMM2 c.623G>C (p.Gly208Ala) variant involves the alteration of a conserved nucleotide. 5/5 in silico tools predict a damaging outcome. This variant was found in 1/121408 control chromosomes at a frequency of 0.0000082, which does not exceed the estimated maximal expected allele frequency of a pathogenic PMM2 variant (0.005902). This variant has been reported in multiple CDG1A patients homozygously or as a compound heterozygotes with a pathogenic variant (such as R141H) in trans. All reported patients had very low level of PMM activity detected. In addition, one clinical diagnostic laboratory classified this variant as pathogenic. Considering all, this variant is classified as pathogenic.

Eurofins Ntd Llc (ga)
Classification: Pathogenic. Last evaluated: 2013-02-05. Review status: criteria provided, single submitter. Criteria: EGL Classification Definitions. Collection method: clinical testing. Allele origin: germline. Observed: 3 variant alleles, 3 heterozygotes.

Counsyl
Classification: Likely pathogenic for PMM2-congenital disorder of glycosylation. Last evaluated: 2017-02-24. Review status: no assertion criteria provided. Collection method: clinical testing. Allele origin: unknown. Not counted in ClinVar's aggregate classification.

Literature cited by the submitters: PubMed 28122681 (cited by 3 submitters); PubMed 10801058 (cited by 5 submitters); PubMed 9497260 (cited by 4 submitters); PubMed 15277997 (cited by 4 submitters); PubMed 24037084 (cited by 3 submitters); PubMed 20301289 (cited by Victorian Clinical Genetics Services, Murdoch Childrens Research Institute); PubMed 22649348 (cited by Victorian Clinical Genetics Services, Murdoch Childrens Research Institute and Counsyl); PubMed 30397276 (cited by Victorian Clinical Genetics Services, Murdoch Childrens Research Institute); PubMed 19396570 (cited by Women's Health and Genetics/Laboratory Corporation of America, LabCorp); PubMed 11058895 (cited by Counsyl); PubMed 15272470 (cited by Counsyl).